The following is an entry in ClinVar:

NM_000384.3(APOB):c.696C>A (p.Thr232=)

Gene: APOB (apolipoprotein B; minus strand). Cytogenetic location: 2p24.1.
Variant type: single nucleotide variant.
Coding change: c.696C>A on transcript NM_000384.3 (MANE Select); coding-DNA position 696, C replaced by A.
Protein change: p.Thr232=; no amino-acid change (threonine 232 retained).
Molecular consequence: synonymous variant.
Genome position (GRCh38, 1-based): chr2:21,035,706, G>T on the plus strand (C>A on the coding strand, the complement: APOB is on the minus strand). VCF-style: chr2-21035706-G-T. GRCh37 (hg19) VCF-style: chr2-21258578-G-T.
Other names: c.696C>A (NM_000384.2).
Identifiers: ClinVar variation 1150681 (VCV001150681.15), dbSNP rs199662273, ClinGen allele CA063908.
Genomic context (GRCh38, chr2:21,035,706, plus strand): 5'-CTTAGCGTCCAGTGTGTACTGACAGGACTGGCTGCTGCTGATCAGAGTTGACAAGGGGCG[G>T]GTCTATGAAAGAGATTGGAGACGAGCATTTTGATCAGTCCCTGTATCTTCTGTTAAAAGC-3'
Protein context (NP_000375.3, residues 222-242): ISPLALIKGM[Thr232=]RPLSTLISSS

ClinVar aggregate classification (germline): Likely benign. Review status: criteria provided, multiple submitters, no conflicts (2 of 4 stars). 4 submissions from 4 submitters: Likely benign (4). Last evaluated 2026-07-01.

Conditions:
Hypercholesterolemia, autosomal dominant, type B (FHCL2). Also called: Familial Hypercholesterolemia Type B; APOB-Related Familial Hypercholesterolemia, Autosomal Dominant; Familial hypercholesterolemia 2; APOLIPOPROTEIN B-100, FAMILIAL DEFECTIVE; APOLIPOPROTEIN B-100, FAMILIAL LIGAND-DEFECTIVE; HYPERCHOLESTEROLEMIA, FAMILIAL, DUE TO LIGAND-DEFECTIVE APOLIPOPROTEIN B. Identifiers: MedGen C1704417, MONDO:0007751, OMIM 144010.
Familial hypobetalipoproteinemia 1. Also called: Hypobetalipoproteinemia, normotriglyceridemic; Acanthocytosis with hypobetalipoproteinemia; APOB-Related Familial Hypobetalipoproteinemia. Identifiers: MedGen C4551990, MONDO:0014252, OMIM 615558.
Cardiovascular phenotype. Identifiers: MedGen CN230736.
Familial hypercholesterolemia. Also called: Familial hypercholesterolemias; Familial hypercholesterolaemia. Identifiers: MedGen C0020445, MONDO:0005439.

Allele frequency attached by ClinVar (database versions not stated): gnomAD 0.00001; ExAC 0.00002; TOPMed 0.00003; gnomAD exomes 0.00004; 1000 Genomes Project 30x 0.00016; 1000 Genomes Project 0.00020.
gnomAD v4.1: 15 of 1,613,984 alleles (0.00093%); highest among the groups gnomAD compares: Admixed American, 0.017%; no homozygotes.

Submissions (4):

CeGaT Center for Human Genetics Tuebingen
Classification: Likely benign. Last evaluated: 2026-07-01. Review status: criteria provided, single submitter. Criteria: CeGaT Center For Human Genetics Tuebingen Variant Classification Criteria Version 2. Collection method: clinical testing. Allele origin: germline. Affected: yes. Observed: 2 variant alleles.
Comment: APOB: BP4, BP7

GENinCode PLC
Classification: Likely benign for Familial hypercholesterolemia. Last evaluated: 2026-05-08. Review status: criteria provided, single submitter. Criteria: ACMG Guidelines, 2015. Collection method: clinical testing. Allele origin: germline.
Comment: This is a synonymous (silent) variant that is not predicted to impact splicing and occurs at a nucleotide which is not highly conserved. This variant has been classified as Likely Benign (BP4, BP7).

Labcorp Genetics (formerly Invitae), Labcorp
Classification: Likely benign for Familial hypobetalipoproteinemia 1; Hypercholesterolemia, autosomal dominant, type B. Last evaluated: 2024-12-24. Review status: criteria provided, single submitter. Criteria: Invitae Variant Classification Sherloc (09022015). Collection method: clinical testing. Allele origin: germline.

Ambry Genetics
Classification: Likely benign for Cardiovascular phenotype. Last evaluated: 2024-10-08. Review status: criteria provided, single submitter. Criteria: Ambry Variant Classification Scheme 2023. Collection method: clinical testing. Allele origin: germline.